The following is an entry in ClinVar:

NM_000138.5(FBN1):c.953del (p.Gly318fs)

Gene: FBN1 (fibrillin 1; minus strand). Cytogenetic location: 15q21.1.
Variant type: Deletion.
Coding change: c.953del on transcript NM_000138.5 (MANE Select); coding-DNA position 953, one base deleted (G; older notation c.953delG).
Protein change: p.Gly318fs; shifts the reading frame from glycine 318.
Molecular consequence: frameshift variant.
Genome position (GRCh38, 1-based): chr15:48,526,165, C deleted on the plus strand (G on the coding strand, the reverse complement: FBN1 is on the minus strand); the first of 2 consecutive C bases (chr15:48,526,165-48,526,166); deleting either gives the same sequence. VCF-style (leftmost placement, unchanged base first): chr15-48526164-AC-A. GRCh37 (hg19) VCF-style: chr15-48818361-AC-A.
Other names: c.952delG, p.Gly318Valfs (NM_001406716.1); short protein forms G318fs.
Identifiers: ClinVar variation 2152243 (VCV002152243.4), dbSNP rs2505640690, ClinGen allele CA2580089616.

ClinVar aggregate classification (germline): Pathogenic (1 of 4 stars; one submission).

Conditions:
Familial thoracic aortic aneurysm and aortic dissection (TAAD). Also called: Thoracic aortic aneurysms and dissections. Identifiers: Orphanet 91387, MedGen C4707243, MONDO:0019625.
Marfan syndrome (MFS). Also called: MARFAN SYNDROME, TYPE I; Marfan syndrome type 1; Marfan's syndrome; Marfan syndrome, classic; FBN1-Related Marfan Syndrome. Identifiers: Orphanet 284963, Orphanet 558, MedGen C0024796, MONDO:0007947, OMIM 154700.

Submission:

Labcorp Genetics (formerly Invitae), Labcorp
Classification: Pathogenic for Marfan syndrome; Familial thoracic aortic aneurysm and aortic dissection. Last evaluated: 2023-02-13. Review status: criteria provided, single submitter. Criteria: Invitae Variant Classification Sherloc (09022015). Collection method: clinical testing. Allele origin: germline.
Comment: For these reasons, this variant has been classified as Pathogenic. This premature translational stop signal has been observed in individual(s) with clinical features of Marfan syndrome (PMID: 29848614). This sequence change creates a premature translational stop signal (p.Gly318Valfs*12) in the FBN1 gene. It is expected to result in an absent or disrupted protein product. Loss-of-function variants in FBN1 are known to be pathogenic (PMID: 17657824, 19293843). This variant is not present in population databases (gnomAD no frequency).

Literature cited by the submitters: PubMed 29848614; PubMed 17657824; PubMed 19293843.